The following is an entry in ClinVar:

NM_020975.6(RET):c.3187+15_3187+16delinsTT

Gene: RET (ret proto-oncogene; plus strand). Cytogenetic location: 10q11.21.
Variant type: Indel.
Coding change: c.3187+15_3187+16delinsTT on transcript NM_020975.6 (MANE Select); bases 15 to 16 of the intron after coding-DNA position 3187, GC replaced by TT.
Molecular consequence: intron variant. On other transcripts: missense variant (18).
Genome position (GRCh38, 1-based): chr10:43,126,737-43,126,738, GC replaced by TT. VCF-style: chr10-43126737-GC-TT. GRCh37 (hg19) VCF-style: chr10-43622185-GC-TT.
Other names: c.2476_2477delinsTT, p.Ala826Leu (NM_001406778.1); c.2305_2306delinsTT, p.Ala769Leu (NM_001406782.1); c.2212_2213delinsTT, p.Ala738Leu (NM_001406784.1); c.2185_2186delinsTT, p.Ala729Leu (NM_001406785.1); c.2176_2177delinsTT, p.Ala726Leu (NM_001406786.1); c.2170_2171delinsTT, p.Ala724Leu (NM_001406787.1); c.2017_2018delinsTT, p.Ala673Leu (NM_001406790.1); c.1897_1898delinsTT, p.Ala633Leu (NM_001406791.1); and 24 more; short protein forms A1023L, A814L, A922L, A1025L, A585L, A726L, A738L, A633L.
Identifiers: ClinVar variation 2767319 (VCV002767319.3), dbSNP rs2538646538, ClinGen allele CA2697558300.

ClinVar aggregate classification (germline): Uncertain significance (1 of 4 stars; one submission).

Conditions:
Multiple endocrine neoplasia, type 2 (MEN2). Identifiers: Orphanet 653, MedGen C4048306, MONDO:0019003. Disease mechanism: gain of function.

Submission:

Labcorp Genetics (formerly Invitae), Labcorp
Classification: Uncertain significance for Multiple endocrine neoplasia, type 2. Last evaluated: 2026-01-13. Review status: criteria provided, single submitter. Criteria: Invitae Variant Classification Sherloc (09022015). Collection method: clinical testing. Allele origin: germline.
Comment: This sequence change falls in intron 19 of the RET gene. It does not directly change the encoded amino acid sequence of the RET protein. Information on the frequency of this variant in the gnomAD database is not available, as this variant may be reported differently in the database. This variant has not been reported in the literature in individuals affected with RET-related conditions. ClinVar contains an entry for this variant (Variation ID: 2767319). Experimental studies and prediction algorithms are not available or were not evaluated, and the effect of this variant on mRNA splicing is currently unknown. In summary, the available evidence is currently insufficient to determine the role of this variant in disease. Therefore, it has been classified as a Variant of Uncertain Significance.